The following is an entry in ClinVar:

NM_000186.4(CFH):c.3562_3564del (p.Lys1188del)

Gene: CFH (complement factor H; plus strand). Cytogenetic location: 1q31.3.
Variant type: Deletion.
Coding change: c.3562_3564del on transcript NM_000186.4 (MANE Select); coding-DNA positions 3562 to 3564, 3 bases deleted (AAG; older notation c.3562_3564delAAG).
Protein change: p.Lys1188del; deletes lysine 1188.
Molecular consequence: inframe deletion.
Genome position (GRCh38, 1-based): chr1:196,747,179-196,747,181, AAG deleted; deleting any 3 consecutive bases within chr1:196,747,177-196,747,181 gives the same sequence; the c. name uses the placement nearest the transcript's 3' end. VCF-style (leftmost placement, unchanged base first): chr1-196747176-CAGA-C. GRCh37 (hg19) VCF-style: chr1-196716306-CAGA-C.
Other names: short protein forms K1188del.
Identifiers: ClinVar variation 4291612 (VCV004291612.1).
Genomic context (GRCh38, chr1:196,747,176, plus strand): 5'-TGTGTAATATCCCGAGAAATTATGGAAAATTATAACATAGCATTAAGGTGGACAGCCAAA[CAGA>C]AGCTTTATTCGAGAACAGGTGAATCAGTTGAATTTGTGTGTAAACGGGGATATCGTCTTT-3'

ClinVar aggregate classification (germline): Uncertain significance (1 of 4 stars; one submission).

Conditions:
Atypical hemolytic-uremic syndrome. Identifiers: Orphanet 2134, MedGen C2931788, MONDO:0016244.

Submission:

Genomenon, Inc
Classification: Uncertain significance for Atypical hemolytic-uremic syndrome. Last evaluated: 2025-10-02. Review status: criteria provided, single submitter. Criteria: Genomenon Sequence Variant Interpretation Standards - Updated. Collection method: curation. Allele origin: germline. Affected: yes.
Comment: CFH p.Lys1188del (c.3562_3564del) is an in-frame deletion variant that results in the deletion of a single amino acid, Lysine at residue 1188. This variant has been observed in at least one proband affected with atypical hemolytic-uremic syndrome (PMID:23431077). It is absent or not present at a significant frequency in gnomAD. In conclusion, we classify CFH p.Lys1188del (c.3562_3564del) as a variant of uncertain significance.

Literature cited by the submitters: PubMed 23431077.